The following is an entry in ClinVar:

ClinVar aggregate classification (germline): Likely benign (0 of 4 stars; one submission).

Conditions:
NCOA1-related disorder. Also called: NCOA1-related condition.

Submission:

PreventionGenetics, part of Exact Sciences
Classification: Likely benign for NCOA1-related condition. Last evaluated: 2022-04-06. Review status: no assertion criteria provided. Collection method: clinical testing. Allele origin: germline.
Comment: This variant is classified as likely benign based on ACMG/AMP sequence variant interpretation guidelines (Richards et al. 2015 PMID: 25741868, with internal and published modifications).

NM_003743.5(NCOA1):c.6T>C (p.Ser2=)

Gene: NCOA1 (nuclear receptor coactivator 1; plus strand). Cytogenetic location: 2p23.3.
Variant type: single nucleotide variant.
Coding change: c.6T>C on transcript NM_003743.5 (MANE Select); coding-DNA position 6, T replaced by C.
Protein change: p.Ser2=; no amino-acid change (serine 2 retained).
Molecular consequence: synonymous variant.
Genome position (GRCh38, 1-based): chr2:24,658,683, T>C. VCF-style: chr2-24658683-T-C. GRCh37 (hg19) VCF-style: chr2-24881552-T-C.
Other names: c.6T>C, p.Ser2= (NM_001362950.1, NM_001362952.1, NM_001362954.1 and 3 more transcripts).
Identifiers: ClinVar variation 3353797 (VCV003353797.1).